The following is an entry in ClinVar:

ClinVar aggregate classification (germline): Conflicting classifications of pathogenicity. Review status: criteria provided, conflicting classifications (1 of 4 stars). 4 submissions from 4 submitters: Uncertain significance (3); Likely benign (1). Last evaluated 2025-07-18.

Conditions:
Hereditary cancer-predisposing syndrome. Also called: Hereditary Cancer Syndrome; Neoplastic Syndromes, Hereditary; Tumor predisposition; Hereditary neoplastic syndrome. Identifiers: Orphanet 140162, MedGen C0027672, MeSH D009386, MONDO:0015356.
Hereditary breast ovarian cancer syndrome. Also called: Breast and ovarian cancer; Hereditary breast and ovarian cancer; Hereditary breast and/or ovarian cancer syndrome; BRCA1- and BRCA2-Associated Hereditary Breast and Ovarian Cancer; Hereditary breast and ovarian cancer syndrome (HBOC); Hereditary breast and ovarian cancer syndrome. Identifiers: Orphanet 145, MedGen C0677776, MeSH D061325, MONDO:0003582. Disease mechanism: loss of function.

Submissions (4):

Color Diagnostics, LLC DBA Color Health
Classification: Uncertain significance for Hereditary cancer-predisposing syndrome. Last evaluated: 2025-07-18. Review status: criteria provided, single submitter. Criteria: ACMG Guidelines, 2015. Collection method: clinical testing. Allele origin: germline.
Comment: This missense variant replaces lysine with arginine at codon 1678 of the BRCA2 protein. Computational prediction suggests that this variant may not impact protein structure and function. To our knowledge, functional studies have not been reported for this variant. In a breast cancer case-control study, this variant has been reported in 1/60466 cases and 0/53461 unaffected controls (PMID: 33471991). This variant has not been identified in the general population by the Genome Aggregation Database (gnomAD). The available evidence is insufficient to determine the role of this variant in disease conclusively. Therefore, this variant is classified as a Variant of Uncertain Significance.

Labcorp Genetics (formerly Invitae), Labcorp
Classification: Uncertain significance for Hereditary breast ovarian cancer syndrome. Last evaluated: 2025-02-02. Review status: criteria provided, single submitter. Criteria: Invitae Variant Classification Sherloc (09022015). Collection method: clinical testing. Allele origin: germline.
Comment: This sequence change replaces lysine, which is basic and polar, with arginine, which is basic and polar, at codon 1678 of the BRCA2 protein (p.Lys1678Arg). This variant is not present in population databases (gnomAD no frequency). This variant has not been reported in the literature in individuals affected with BRCA2-related conditions. ClinVar contains an entry for this variant (Variation ID: 1744910). Invitae Evidence Modeling of protein sequence and biophysical properties (such as structural, functional, and spatial information, amino acid conservation, physicochemical variation, residue mobility, and thermodynamic stability) indicates that this missense variant is not expected to disrupt BRCA2 protein function with a negative predictive value of 95%. In summary, the available evidence is currently insufficient to determine the role of this variant in disease. Therefore, it has been classified as a Variant of Uncertain Significance.

University of Washington Department of Laboratory Medicine, University of Washington
Classification: Likely benign for Hereditary cancer-predisposing syndrome. Last evaluated: 2023-03-23. Review status: criteria provided, single submitter. Criteria: Dines et al. (Genet Med. 2020). Collection method: curation. Allele origin: germline.
Comment: Missense variant in a coldspot region where missense variants are very unlikely to be pathogenic (PMID:31911673).

BRCA2 exon 11 coldspot. Reclassification based on statistical prior probability.

Ambry Genetics
Classification: Uncertain significance for Hereditary cancer-predisposing syndrome. Last evaluated: 2021-12-30. Review status: criteria provided, single submitter. Criteria: Ambry Variant Classification Scheme 2023. Collection method: clinical testing. Allele origin: germline.
Comment: The p.K1678R variant (also known as c.5033A>G), located in coding exon 10 of the BRCA2 gene, results from an A to G substitution at nucleotide position 5033. The lysine at codon 1678 is replaced by arginine, an amino acid with highly similar properties. This amino acid position is not well conserved in available vertebrate species. In addition, this alteration is predicted to be tolerated by in silico analysis. Since supporting evidence is limited at this time, the clinical significance of this alteration remains unclear.

Literature cited by the submitters: PubMed 33471991 (cited by Color Diagnostics, LLC DBA Color Health).

NM_000059.4(BRCA2):c.5033A>G (p.Lys1678Arg)

Gene: BRCA2 (BRCA2 DNA repair associated; plus strand). Cytogenetic location: 13q13.1.
Variant type: single nucleotide variant.
Coding change: c.5033A>G on transcript NM_000059.4 (MANE Select); coding-DNA position 5033, A replaced by G.
Protein change: p.Lys1678Arg; replaces lysine 1678 with arginine.
Molecular consequence: missense variant.
Genome position (GRCh38, 1-based): chr13:32,339,388, A>G. VCF-style: chr13-32339388-A-G. GRCh37 (hg19) VCF-style: chr13-32913525-A-G.
Other names: c.5033A>G, p.Lys1678Arg (NM_001406719.1, NM_001406720.1); short protein forms K1678R.
Identifiers: ClinVar variation 1744910 (VCV001744910.8), dbSNP rs28897733, ClinGen allele CA387783986.
Genomic context (GRCh38, chr13:32,339,388, plus strand): 5'-AGTCCCCTTATTCAGTCATTGAAAATTCAGCCTTAGCTTTTTACACAAGTTGTAGTAGAA[A>G]AACTTCTGTGAGTCAGACTTCATTACTTGAAGCAAAAAAATGGCTTAGAGAAGGAATATT-3'
Protein context (NP_000050.3, residues 1668-1688): ALAFYTSCSR[Lys1678Arg]TSVSQTSLLE